The following is an entry in ClinVar:

NM_001069.3(TUBB2A):c.542A>T (p.Glu181Val)

Gene: TUBB2A (tubulin beta 2A class IIa; minus strand). Cytogenetic location: 6p25.2.
Variant type: single nucleotide variant.
Coding change: c.542A>T on transcript NM_001069.3 (MANE Select); coding-DNA position 542, A replaced by T.
Protein change: p.Glu181Val; replaces glutamic acid 181 with valine.
Molecular consequence: missense variant.
Genome position (GRCh38, 1-based): chr6:3,154,659, T>A on the plus strand (A>T on the coding strand, the complement: TUBB2A is on the minus strand). VCF-style: chr6-3154659-T-A. GRCh37 (hg19) VCF-style: chr6-3154893-T-A.
Other names: c.287A>T, p.Glu96Val (NM_001310315.2); short protein forms E181V, E96V.
Identifiers: ClinVar variation 4075612 (VCV004075612.1).
Genomic context (GRCh38, chr6:3,154,659, plus strand): 5'-GAGTAGGTTTCATCTGTGTTTTCCACCAGCTGGTGGACAGAGAGGGTGGCGTTGTAGGGC[T>A]CCACCACCGTGTCTGACACCTTGGGTGAGGGCATGACGCTGAAGGTGTTCATGATGCGGT-3'
Protein context (NP_001060.1, residues 171-191): PSPKVSDTVV[Glu181Val]PYNATLSVHQ

ClinVar aggregate classification (germline): Uncertain significance (1 of 4 stars; one submission).

Submission:

GeneDx
Classification: Uncertain significance. Last evaluated: 2025-02-16. Review status: criteria provided, single submitter. Criteria: GeneDx Variant Classification Process June 2021. Collection method: clinical testing. Allele origin: germline. Affected: yes.
Comment: Not observed at significant frequency in large population cohorts (gnomAD); In silico analysis supports that this missense variant has a deleterious effect on protein structure/function; Has not been previously published as pathogenic or benign to our knowledge